The following is an entry in ClinVar:

NM_004371.4(COPA):c.1396C>T (p.Leu466Phe)

Gene: COPA (coat protein complex I subunit alpha; minus strand). Cytogenetic location: 1q23.2.
Variant type: single nucleotide variant.
Coding change: c.1396C>T on transcript NM_004371.4 (MANE Select); coding-DNA position 1396, C replaced by T.
Protein change: p.Leu466Phe; replaces leucine 466 with phenylalanine.
Molecular consequence: missense variant.
Genome position (GRCh38, 1-based): chr1:160,306,400, G>A on the plus strand (C>T on the coding strand, the complement: COPA is on the minus strand). VCF-style: chr1-160306400-G-A. GRCh37 (hg19) VCF-style: chr1-160276190-G-A.
Other names: c.1396C>T, p.Leu466Phe (NM_001098398.2); short protein forms L466F.
Identifiers: ClinVar variation 845535 (VCV000845535.9), dbSNP rs1658787005, ClinGen allele CA343255847.

ClinVar aggregate classification (germline): Uncertain significance (1 of 4 stars; one submission).

Conditions:
Autoimmune interstitial lung disease-arthritis syndrome. Also called: Autoinflammation and autoimmunity, systemic, with immune dysregulation. Identifiers: Orphanet 444092, MedGen C5975714, MONDO:0014629.

Allele frequency attached by ClinVar (database versions not stated): gnomAD 0.00001.
gnomAD v4.1: 1 of 1,613,686 alleles (0.000062%); highest among the groups gnomAD compares: Non-Finnish European, 0.000085%; no homozygotes.

Submission:

Labcorp Genetics (formerly Invitae), Labcorp
Classification: Uncertain significance for Autoimmune interstitial lung disease-arthritis syndrome. Last evaluated: 2019-02-03. Review status: criteria provided, single submitter. Criteria: Invitae Variant Classification Sherloc (09022015). Collection method: clinical testing. Allele origin: germline.
Comment: In summary, the available evidence is currently insufficient to determine the role of this variant in disease. Therefore, it has been classified as a Variant of Uncertain Significance. Algorithms developed to predict the effect of missense changes on protein structure and function are either unavailable or do not agree on the potential impact of this missense change (SIFT: "Deleterious"; PolyPhen-2: "Benign"; Align-GVGD: "Class C0"). This variant has not been reported in the literature in individuals with COPA-related conditions. This variant is not present in population databases (ExAC no frequency). This sequence change replaces leucine with phenylalanine at codon 466 of the COPA protein (p.Leu466Phe). The leucine residue is highly conserved and there is a small physicochemical difference between leucine and phenylalanine.